The following is an entry in ClinVar:

NM_172107.4(KCNQ2):c.1472G>A (p.Arg491Gln)

Gene: KCNQ2 (potassium voltage-gated channel subfamily Q member 2; minus strand). Cytogenetic location: 20q13.33.
Variant type: single nucleotide variant.
Coding change: c.1472G>A on transcript NM_172107.4 (MANE Select); coding-DNA position 1472, G replaced by A.
Protein change: p.Arg491Gln; replaces arginine 491 with glutamine.
Molecular consequence: missense variant.
Genome position (GRCh38, 1-based): chr20:63,414,956, C>T on the plus strand (G>A on the coding strand, the complement: KCNQ2 is on the minus strand). VCF-style: chr20-63414956-C-T. GRCh37 (hg19) VCF-style: chr20-62046309-C-T.
Other names: c.1418G>A, p.Arg473Gln (NM_001382235.1, NM_172106.3); c.1388G>A, p.Arg463Gln (NM_004518.6); c.1382G>A, p.Arg461Gln (NM_172108.5); short protein forms R463Q, R491Q, R461Q, R473Q.
Identifiers: ClinVar variation 3393807 (VCV003393807.4).

ClinVar aggregate classification (germline): Uncertain significance. Review status: criteria provided, multiple submitters, no conflicts (2 of 4 stars). 2 submissions from 2 submitters: Uncertain significance (2). Last evaluated 2026-03-20.

gnomAD v4.1: 6 of 1,612,486 alleles (0.00037%); highest among the groups gnomAD compares: South Asian, 0.0022%; no homozygotes.

Submissions (2):

Dasa
Classification: Uncertain significance. Last evaluated: 2026-03-20. Review status: criteria provided, single submitter. Criteria: DASA Assertion Criteria. Collection method: clinical testing. Allele origin: germline.
Comment: NM_172107.4(KCNQ2):c.1472G>A (p.Arg491Gln) is a missense variant that results in the substitution of arginine with glutamine. This variant is rare in population databases. Computational prediction algorithms are consistent with a deleterious effect. The currently available literature and clinical evidence are not sufficient to establish a definitive association between this variant and the reported condition. Therefore, this variant is classified as a variant of uncertain significance.

GeneDx
Classification: Uncertain significance. Last evaluated: 2026-01-09. Review status: criteria provided, single submitter. Criteria: GeneDx Variant Classification Process June 2021. Collection method: clinical testing. Allele origin: germline. Affected: yes.
Comment: Not observed at significant frequency in large population cohorts (gnomAD); In silico analysis supports that this missense variant has a deleterious effect on protein structure/function; Has not been previously published as pathogenic or benign to our knowledge; This substitution is predicted to be within the C-terminal cytoplasmic domain